The following is an entry in ClinVar:

NM_018006.5(TRMU):c.655A>G (p.Met219Val)

Gene: TRMU (tRNA mitochondrial 2-thiouridylase; plus strand). Cytogenetic location: 22q13.31.
Variant type: single nucleotide variant.
Coding change: c.655A>G on transcript NM_018006.5 (MANE Select); coding-DNA position 655, A replaced by G.
Protein change: p.Met219Val; replaces methionine 219 with valine.
Molecular consequence: missense variant. On other transcripts: non-coding transcript variant (2).
Genome position (GRCh38, 1-based): chr22:46,352,124, A>G. VCF-style: chr22-46352124-A-G. GRCh37 (hg19) VCF-style: chr22-46748021-A-G.
Other names: p.Met219Val; c.313A>G, p.Met105Val (NM_001282782.2); c.235A>G, p.Met79Val (NM_001282783.2, NM_001282784.2); c.655A>G, p.Met219Val (NM_001282785.2); short protein forms M219V, M79V, M105V.
Identifiers: ClinVar variation 597932 (VCV000597932.7), dbSNP rs747904726, ClinGen allele CA10292154.

ClinVar aggregate classification (germline): Uncertain significance. Review status: criteria provided, multiple submitters, no conflicts (2 of 4 stars). 3 submissions from 3 submitters: Uncertain significance (3). Last evaluated 2025-11-07.

Allele frequency attached by ClinVar (database versions not stated): TOPMed 0.00004; gnomAD 0.00001.
gnomAD v4.1: 55 of 1,613,192 alleles (0.0034%); highest among the groups gnomAD compares: Non-Finnish European, 0.0019%; no homozygotes.

Submissions (3):

Mayo Clinic Laboratories, Mayo Clinic
Classification: Uncertain significance. Last evaluated: 2025-11-07. Review status: criteria provided, single submitter. Criteria: ACMG Guidelines, 2015. Collection method: clinical testing. Allele origin: germline. Observed: 1 variant allele.
Comment: PP3

Labcorp Genetics (formerly Invitae), Labcorp
Classification: Uncertain significance. Last evaluated: 2022-06-02. Review status: criteria provided, single submitter. Criteria: Invitae Variant Classification Sherloc (09022015). Collection method: clinical testing. Allele origin: germline.
Comment: This sequence change replaces methionine, which is neutral and non-polar, with valine, which is neutral and non-polar, at codon 219 of the TRMU protein (p.Met219Val). This variant is present in population databases (rs747904726, gnomAD 0.07%). This variant has not been reported in the literature in individuals affected with TRMU-related conditions. ClinVar contains an entry for this variant (Variation ID: 597932). Algorithms developed to predict the effect of missense changes on protein structure and function (SIFT, PolyPhen-2, Align-GVGD) all suggest that this variant is likely to be tolerated. In summary, the available evidence is currently insufficient to determine the role of this variant in disease. Therefore, it has been classified as a Variant of Uncertain Significance.

Eurofins Ntd Llc (ga)
Classification: Uncertain significance. Last evaluated: 2018-07-05. Review status: criteria provided, single submitter. Criteria: EGL ClinVar v180209 classification definitions. Collection method: clinical testing. Allele origin: germline. Observed: 1 variant allele, 1 heterozygote.